The following is an entry in ClinVar:

ClinVar aggregate classification (germline): Uncertain significance (1 of 4 stars; one submission).

Submission:

GeneDx
Classification: Uncertain significance. Last evaluated: 2018-10-09. Review status: criteria provided, single submitter. Criteria: GeneDx Variant Classification (06012015). Collection method: clinical testing. Allele origin: germline. Affected: yes.
Comment: The c.2553-3C>G variant in the BRWD3 gene has not been reported previously as a pathogenic variant nor as a benign variant, to our knowledge. This variant reduces the quality of the splice acceptor site of intron 22, and is expected to cause abnormal gene splicing. This variant is not observed in large population cohorts (Lek et al., 2016; 1000 Genomes Consortium et al., 2015; Exome Variant Server). We interpret c.2553-3C>G as a variant of uncertain significance.

NM_153252.5(BRWD3):c.2553-3C>G

Gene: BRWD3 (bromodomain and WD repeat domain containing 3; minus strand). Cytogenetic location: Xq21.1.
Variant type: single nucleotide variant.
Coding change: c.2553-3C>G on transcript NM_153252.5 (MANE Select); 3 bases into the intron before coding-DNA position 2553, C replaced by G.
Molecular consequence: intron variant.
Genome position (GRCh38, 1-based): chrX:80,704,849, G>C on the plus strand (C>G on the coding strand, the complement: BRWD3 is on the minus strand). VCF-style: chrX-80704849-G-C. GRCh37 (hg19) VCF-style: chrX-79960348-G-C.
Identifiers: ClinVar variation 450511 (VCV000450511.2), dbSNP rs1555967646, ClinGen allele CA658659021.